The following is an entry in ClinVar:

ClinVar aggregate classification (germline): Uncertain significance (1 of 4 stars; one submission).

Submission:

GeneDx
Classification: Uncertain significance. Last evaluated: 2025-06-11. Review status: criteria provided, single submitter. Criteria: GeneDx Variant Classification Process June 2021. Collection method: clinical testing. Allele origin: germline.
Comment: Not observed at significant frequency in large population cohorts (gnomAD); In silico analysis supports a deleterious effect on splicing; In silico analysis supports that this missense variant has a deleterious effect on protein structure/function; Has not been previously published as pathogenic or benign to our knowledge

NM_016284.5(CNOT1):c.5522A>G (p.Glu1841Gly)

Gene: CNOT1 (CCR4-NOT transcription complex subunit 1; minus strand). Cytogenetic location: 16q21.
Variant type: single nucleotide variant.
Coding change: c.5522A>G on transcript NM_016284.5 (MANE Select); coding-DNA position 5522, A replaced by G.
Protein change: p.Glu1841Gly; replaces glutamic acid 1841 with glycine.
Molecular consequence: missense variant. On other transcripts: non-coding transcript variant (1).
Genome position (GRCh38, 1-based): chr16:58,537,113, T>C on the plus strand (A>G on the coding strand, the complement: CNOT1 is on the minus strand). VCF-style: chr16-58537113-T-C. GRCh37 (hg19) VCF-style: chr16-58571017-T-C.
Other names: c.5507A>G, p.Glu1836Gly (NM_001265612.2); short protein forms E1836G, E1841G.
Identifiers: ClinVar variation 2662866 (VCV002662866.2), dbSNP rs2543867196, ClinGen allele CA396164452.